The following is an entry in ClinVar:

NM_000492.4(CFTR):c.1616T>C (p.Ile539Thr)

Genes: CFTR (CF transmembrane conductance regulator; plus strand), LOC111674475 (CFTR intron 11 enhancer; plus strand). Cytogenetic location: 7q31.2.
Variant type: single nucleotide variant.
Coding change: c.1616T>C on transcript NM_000492.4 (MANE Select); coding-DNA position 1616, T replaced by C.
Protein change: p.Ile539Thr; replaces isoleucine 539 with threonine.
Molecular consequence: missense variant.
Genome position (GRCh38, 1-based): chr7:117,587,770, T>C. VCF-style: chr7-117587770-T-C. GRCh37 (hg19) VCF-style: chr7-117227824-T-C.
Other names: p.Ile539Thr; short protein forms I539T.
Identifiers: ClinVar variation 598095 (VCV000598095.22), dbSNP rs144745159, ClinGen allele CA4451046.

ClinVar aggregate classification (germline): Uncertain significance. Review status: criteria provided, multiple submitters, no conflicts (2 of 4 stars). 7 submissions from 7 submitters: Uncertain significance (7). Last evaluated 2026-06-08.

Conditions:
Bronchiectasis with or without elevated sweat chloride 1 (BESC1). Also called: Cystic Fibrosis-Like Syndrome. Identifiers: Orphanet 60033, MedGen C2749757, MONDO:0008887, OMIM 211400.
Hereditary pancreatitis (PCTT). Also called: Hereditary chronic pancreatitis; PRSS1-Related Hereditary Pancreatitis. Identifiers: Orphanet 676, MedGen C0238339, MONDO:0008185, OMIM 167800.
Congenital bilateral aplasia of vas deferens from CFTR mutation (CBAVD). Identifiers: Orphanet 48, MedGen C0403814, MONDO:0010178, OMIM 277180. Disease mechanism: loss of function.
Cystic fibrosis (CF). Also called: MUCOVISCIDOSIS. Identifiers: Orphanet 586, MedGen C0010674, MONDO:0009061, OMIM 219700. Disease mechanism: loss of function.

Allele frequency attached by ClinVar (database versions not stated): gnomAD exomes below 0.00001 and 0.00002; gnomAD 0.00001; 1000 Genomes Project 30x 0.00016; 1000 Genomes Project 0.00020; TOPMed 0.00001; ExAC 0.00003.
gnomAD v4.1: 9 of 1,611,640 alleles (0.00056%); highest among the groups gnomAD compares: African/African-American, 0.004%; no homozygotes.

Submissions (7):

Women's Health and Genetics/Laboratory Corporation of America, LabCorp
Classification: Uncertain significance. Last evaluated: 2026-06-08. Review status: criteria provided, single submitter. Criteria: LabCorp Variant Classification Summary - May 2015. Collection method: clinical testing. Allele origin: germline.
Comment: Variant summary: CFTR c.1616T>C (p.Ile539Thr) results in a non-conservative amino acid change in the encoded protein sequence. Algorithms developed to predict the effect of missense changes on protein structure and function are either unavailable or do not agree on the potential impact of this missense change. The variant allele was found at a frequency of 2e-05 in 250922 control chromosomes. The available data on variant occurrences in the general population are insufficient to allow any conclusion about variant significance. In a cross-sectional ascertainment, c.1616T>C has been reported in the literature as a second site revertant variant that can partially rescue the maturation defect of p.Phe508del (example, Baatallah_2022, de Carvalho_2002, Zhang_2017, Bose_2020, Carrozzo_2025) and as a non-informative genotype (i.e., second allele, phase, genotype not-specified) in individuals affected with chronic pancreatitis and in a Portuguese population-based birth cohort study (example, Xiao_2017, Grangeia_2018). The following publications have been ascertained in the context of this evaluation (PMID: 36555865, 31902693, 39797401, 12110684, 29589582, 35065958, 34341587, 29173301, 28001373). ClinVar contains an entry for this variant (Variation ID: 598095). Based on the evidence outlined above, the variant was classified as uncertain significance.

Ambry Genetics
Classification: Uncertain significance for Cystic fibrosis. Last evaluated: 2026-01-13. Review status: criteria provided, single submitter. Criteria: Ambry Variant Classification Scheme 2023. Collection method: clinical testing. Allele origin: germline.
Comment: The p.I539T variant (also known as c.1616T>C), located in coding exon 12 of the CFTR gene, results from a T to C substitution at nucleotide position 1616. The isoleucine at codon 539 is replaced by threonine, an amino acid with similar properties. This amino acid position is not well conserved in available vertebrate species. In addition, the in silico prediction for this alteration is inconclusive. Based on the available evidence, the clinical significance of this variant remains unclear.

Blueprint Genetics
Classification: Uncertain significance. Last evaluated: 2024-11-08. Review status: criteria provided, single submitter. Criteria: ACMG Guidelines, 2015. Collection method: clinical testing. Allele origin: germline.

Labcorp Genetics (formerly Invitae), Labcorp
Classification: Uncertain significance for Cystic fibrosis. Last evaluated: 2024-05-29. Review status: criteria provided, single submitter. Criteria: Invitae Variant Classification Sherloc (09022015). Collection method: clinical testing. Allele origin: germline.
Comment: This sequence change replaces isoleucine, which is neutral and non-polar, with threonine, which is neutral and polar, at codon 539 of the CFTR protein (p.Ile539Thr). This variant is present in population databases (rs144745159, gnomAD 0.007%). This missense change has been observed in individual(s) with CFTR-related conditions (PMID: 29173301). ClinVar contains an entry for this variant (Variation ID: 598095). Advanced modeling of protein sequence and biophysical properties (such as structural, functional, and spatial information, amino acid conservation, physicochemical variation, residue mobility, and thermodynamic stability) performed at Invitae indicates that this missense variant is not expected to disrupt CFTR protein function with a negative predictive value of 80%. In summary, the available evidence is currently insufficient to determine the role of this variant in disease. Therefore, it has been classified as a Variant of Uncertain Significance.

Mayo Clinic Laboratories, Mayo Clinic
Classification: Uncertain significance. Last evaluated: 2021-10-04. Review status: criteria provided, single submitter. Criteria: ACMG Guidelines, 2015. Collection method: clinical testing. Allele origin: germline.

Fulgent Genetics
Classification: Uncertain significance for Hereditary pancreatitis; Bronchiectasis with or without elevated sweat chloride 1; Cystic fibrosis; Congenital bilateral aplasia of vas deferens from CFTR mutation. Last evaluated: 2021-09-07. Review status: criteria provided, single submitter. Criteria: ACMG Guidelines, 2015. Collection method: clinical testing. Allele origin: unknown.

Eurofins Ntd Llc (ga)
Classification: Uncertain significance. Last evaluated: 2018-07-19. Review status: criteria provided, single submitter. Criteria: EGL ClinVar v180209 classification definitions. Collection method: clinical testing. Allele origin: germline. Observed: 1 variant allele, 1 heterozygote.

Literature cited by the submitters: PubMed 29173301 (cited by Women's Health and Genetics/Laboratory Corporation of America, LabCorp and Labcorp Genetics (formerly Invitae), Labcorp); PubMed 29589582 (cited by Women's Health and Genetics/Laboratory Corporation of America, LabCorp); PubMed 36555865 (cited by Women's Health and Genetics/Laboratory Corporation of America, LabCorp); PubMed 31902693 (cited by Women's Health and Genetics/Laboratory Corporation of America, LabCorp); PubMed 12110684 (cited by Women's Health and Genetics/Laboratory Corporation of America, LabCorp); PubMed 35065958 (cited by Women's Health and Genetics/Laboratory Corporation of America, LabCorp); PubMed 34341587 (cited by Women's Health and Genetics/Laboratory Corporation of America, LabCorp); PubMed 28001373 (cited by Women's Health and Genetics/Laboratory Corporation of America, LabCorp); PubMed 39797401 (cited by Women's Health and Genetics/Laboratory Corporation of America, LabCorp).